The following is an entry in ClinVar:

NM_030665.4(RAI1):c.697G>A (p.Ala233Thr)

Gene: RAI1 (retinoic acid induced 1; plus strand). Cytogenetic location: 17p11.2.
Variant type: single nucleotide variant.
Coding change: c.697G>A on transcript NM_030665.4 (MANE Select); coding-DNA position 697, G replaced by A.
Protein change: p.Ala233Thr; replaces alanine 233 with threonine.
Molecular consequence: missense variant.
Genome position (GRCh38, 1-based): chr17:17,793,645, G>A. VCF-style: chr17-17793645-G-A. GRCh37 (hg19) VCF-style: chr17-17696959-G-A.
Other names: short protein forms A233T.
Identifiers: ClinVar variation 3368389 (VCV003368389.1).

ClinVar aggregate classification (germline): Uncertain significance (1 of 4 stars; one submission).

gnomAD v4.1: 1 of 1,613,256 alleles (0.000062%); highest among the groups gnomAD compares: Admixed American, 0.0017%; no homozygotes.

Submission:

GeneDx
Classification: Uncertain significance. Last evaluated: 2024-02-02. Review status: criteria provided, single submitter. Criteria: GeneDx Variant Classification Process June 2021. Collection method: clinical testing. Allele origin: germline. Affected: yes.
Comment: In silico analysis supports that this missense variant does not alter protein structure/function; Has not been previously published as pathogenic or benign to our knowledge